The following is an entry in ClinVar:

NM_030665.4(RAI1):c.2903C>A (p.Ser968Ter)

Gene: RAI1 (retinoic acid induced 1; plus strand). Cytogenetic location: 17p11.2.
Variant type: single nucleotide variant.
Coding change: c.2903C>A on transcript NM_030665.4 (MANE Select); coding-DNA position 2903, C replaced by A.
Protein change: p.Ser968Ter; replaces serine 968 with a stop codon.
Molecular consequence: nonsense.
Genome position (GRCh38, 1-based): chr17:17,795,851, C>A. VCF-style: chr17-17795851-C-A. GRCh37 (hg19) VCF-style: chr17-17699165-C-A.
Other names: short protein forms S968*.
Identifiers: ClinVar variation 2578445 (VCV002578445.2), dbSNP rs768781835, ClinGen allele CA398552280.
Genomic context (GRCh38, chr17:17,795,851, plus strand): 5'-ACATGAAGCCAGGTGAAGAGGGGCCTGATGGGGAGCGAGCTCCAGGGGATTCCACCACCT[C>A]GGACGCCTCTCTGGCCCAGAAGCCCAACAAGCCTGCTGTGCCCGAGGCGCCCATCGCAAA-3'

ClinVar aggregate classification (germline): Likely pathogenic (1 of 4 stars; one submission).

Conditions:
Smith-Magenis syndrome (SMS). Also called: CHROMOSOME 17p11.2 DELETION SYNDROME. Identifiers: Orphanet 819, MedGen C0795864, MONDO:0008434, OMIM 182290.

Submission:

Institute of Human Genetics, University of Leipzig Medical Center
Classification: Likely pathogenic for Smith-Magenis syndrome. Last evaluated: 2023-08-21. Review status: criteria provided, single submitter. Criteria: ACMG Guidelines, 2015. Collection method: clinical testing. Allele origin: unknown. Inheritance: Autosomal dominant inheritance. Affected: yes.
Comment: Criteria applied: PVS1,PM2_SUP